The following is an entry in ClinVar:

NM_022765.4(MICAL1):c.3080G>A (p.Arg1027Gln)

Gene: MICAL1 (microtubule associated monooxygenase, calponin and LIM domain containing 1; minus strand). Cytogenetic location: 6q21.
Variant type: single nucleotide variant.
Coding change: c.3080G>A on transcript NM_022765.4 (MANE Select); coding-DNA position 3080, G replaced by A.
Protein change: p.Arg1027Gln; replaces arginine 1027 with glutamine.
Molecular consequence: missense variant.
Genome position (GRCh38, 1-based): chr6:109,444,315, C>T on the plus strand (G>A on the coding strand, the complement: MICAL1 is on the minus strand). VCF-style: chr6-109444315-C-T. GRCh37 (hg19) VCF-style: chr6-109765518-C-T.
Other names: c.2822G>A, p.Arg941Gln (NM_001159291.2); c.3137G>A, p.Arg1046Gln (NM_001286613.2); short protein forms R941Q, R1027Q, R1046Q.
Identifiers: ClinVar variation 1947523 (VCV001947523.5), dbSNP rs769783667, ClinGen allele CA3952643.

ClinVar aggregate classification (germline): Uncertain significance (1 of 4 stars; one submission).

Allele frequency attached by ClinVar (database versions not stated): ExAC 0.00001; gnomAD 0.00001; TOPMed 0.00001.
gnomAD v4.1: 20 of 1,613,396 alleles (0.0012%); highest among the groups gnomAD compares: Non-Finnish European, 0.0017%; no homozygotes.

Submission:

Labcorp Genetics (formerly Invitae), Labcorp
Classification: Uncertain significance. Last evaluated: 2023-07-31. Review status: criteria provided, single submitter. Criteria: Invitae Variant Classification Sherloc (09022015). Collection method: clinical testing. Allele origin: germline.
Comment: This sequence change replaces arginine, which is basic and polar, with glutamine, which is neutral and polar, at codon 1046 of the MICAL1 protein (p.Arg1046Gln). This variant is present in population databases (rs769783667, gnomAD 0.006%). This variant has not been reported in the literature in individuals affected with MICAL1-related conditions. ClinVar contains an entry for this variant (Variation ID: 1947523). An algorithm developed to predict the effect of missense changes on protein structure and function (PolyPhen-2) suggests that this variant is likely to be tolerated. In summary, the available evidence is currently insufficient to determine the role of this variant in disease. Therefore, it has been classified as a Variant of Uncertain Significance.